The following is an entry in ClinVar:

ClinVar aggregate classification (germline): Uncertain significance (1 of 4 stars; one submission).

Conditions:
Spastic paraplegia. Identifiers: MedGen C0037772, HP:0001258.

Allele frequency attached by ClinVar (database versions not stated): TOPMed below 0.00001.
gnomAD v4.1: 3 of 1,538,066 alleles (0.0002%); highest among the groups gnomAD compares: African/African-American, 0.0014%; no homozygotes.

Submission:

Labcorp Genetics (formerly Invitae), Labcorp
Classification: Uncertain significance for Spastic paraplegia. Last evaluated: 2022-06-04. Review status: criteria provided, single submitter. Criteria: Invitae Variant Classification Sherloc (09022015). Collection method: clinical testing. Allele origin: germline.
Comment: This sequence change replaces glycine, which is neutral and non-polar, with arginine, which is basic and polar, at codon 64 of the FA2H protein (p.Gly64Arg). This variant is not present in population databases (gnomAD no frequency). This missense change has been observed in individual(s) with clinical features of hereditary spastic paraplegia (Invitae). ClinVar contains an entry for this variant (Variation ID: 962302). Algorithms developed to predict the effect of missense changes on protein structure and function are either unavailable or do not agree on the potential impact of this missense change (SIFT: "Deleterious"; PolyPhen-2: "Benign"; Align-GVGD: "Class C0"). In summary, the available evidence is currently insufficient to determine the role of this variant in disease. Therefore, it has been classified as a Variant of Uncertain Significance.

NM_024306.5(FA2H):c.190G>C (p.Gly64Arg)

Genes: FA2H (fatty acid 2-hydroxylase; minus strand), LOC130059394 (ATAC-STARR-seq lymphoblastoid silent region 7701; plus strand). Cytogenetic location: 16q23.1.
Variant type: single nucleotide variant.
Coding change: c.190G>C on transcript NM_024306.5 (MANE Select); coding-DNA position 190, G replaced by C.
Protein change: p.Gly64Arg; replaces glycine 64 with arginine.
Molecular consequence: missense variant.
Genome position (GRCh38, 1-based): chr16:74,774,566, C>G on the plus strand (G>C on the coding strand, the complement: FA2H is on the minus strand). VCF-style: chr16-74774566-C-G. GRCh37 (hg19) VCF-style: chr16-74808464-C-G.
Other names: short protein forms G64R.
Identifiers: ClinVar variation 962302 (VCV000962302.10), dbSNP rs1410690526, ClinGen allele CA396768227.